The following is an entry in ClinVar:

ClinVar aggregate classification (germline): Uncertain significance (1 of 4 stars; one submission).

Submission:

GeneDx
Classification: Uncertain significance. Last evaluated: 2022-07-07. Review status: criteria provided, single submitter. Criteria: GeneDx Variant Classification Process June 2021. Collection method: clinical testing. Allele origin: germline. Affected: yes.
Comment: Not observed at significant frequency in large population cohorts (gnomAD); In silico analysis supports that this missense variant has a deleterious effect on protein structure/function; Has not been previously published as pathogenic or benign to our knowledge; This variant is associated with the following publications: (PMID: Chapuy2016[abstract])

NM_024665.7(TBL1XR1):c.1169A>G (p.His390Arg)

Gene: TBL1XR1 (TBL1X/Y related 1; minus strand). Cytogenetic location: 3q26.32.
Variant type: single nucleotide variant.
Coding change: c.1169A>G on transcript NM_024665.7 (MANE Select); coding-DNA position 1169, A replaced by G.
Protein change: p.His390Arg; replaces histidine 390 with arginine.
Molecular consequence: missense variant.
Genome position (GRCh38, 1-based): chr3:177,034,279, T>C on the plus strand (A>G on the coding strand, the complement: TBL1XR1 is on the minus strand). VCF-style: chr3-177034279-T-C. GRCh37 (hg19) VCF-style: chr3-176752067-T-C.
Other names: c.1169A>G, p.His390Arg (NM_001321193.3, NM_001321194.3, NM_001374327.1 and 2 more transcripts); c.908A>G, p.His303Arg (NM_001321195.3, NM_001374330.1); short protein forms H303R, H390R.
Identifiers: ClinVar variation 1810637 (VCV001810637.1), dbSNP rs2473603091, ClinGen allele CA355554752.